The following is an entry in ClinVar:

NM_001371928.1(AHDC1):c.1169del (p.Pro390fs)

Gene: AHDC1 (AT-hook DNA binding motif containing 1; minus strand). Cytogenetic location: 1p36.11.
Variant type: Deletion.
Coding change: c.1169del on transcript NM_001371928.1 (MANE Select); coding-DNA position 1169, one base deleted (C; older notation c.1169delC).
Protein change: p.Pro390fs; shifts the reading frame from proline 390.
Molecular consequence: frameshift variant.
Genome position (GRCh38, 1-based): chr1:27,550,947, G deleted on the plus strand (C on the coding strand, the reverse complement: AHDC1 is on the minus strand); the first of 2 consecutive G bases (chr1:27,550,947-27,550,948); deleting either gives the same sequence. VCF-style (leftmost placement, unchanged base first): chr1-27550946-TG-T. GRCh37 (hg19) VCF-style: chr1-27877457-TG-T.
Other names: c.1169del, p.Pro390fs (NM_001029882.3); short protein forms P390fs.
Identifiers: ClinVar variation 545941 (VCV000545941.4), dbSNP rs1553159575, ClinGen allele CA658821003.
Genomic context (GRCh38, chr1:27,550,946, plus strand): 5'-CTCGGGTCCGGCGTCTGCCTTGCGTCCCCGTCCGGCTTTCCGCCGGCGACACAGGATCTT[TG>T]GCCTATCAGTGCGCCGCAAGGCGTACTTGGGGTGACCCTCAGGCCCGGGGGGGCCGTGCG-3'

ClinVar aggregate classification (germline): Likely pathogenic (1 of 4 stars; one submission).

Conditions:
AHDC1-related intellectual disability - obstructive sleep apnea - mild dysmorphism syndrome. Also called: Xia-Gibbs syndrome. Identifiers: Orphanet 412069, MedGen C4014419, MONDO:0014358, OMIM 615829.

Submission:

GeneDx
Classification: Likely pathogenic. Last evaluated: 2018-05-11. Review status: criteria provided, single submitter. Criteria: GeneDx Variant Classification (06012015). Collection method: clinical testing. Allele origin: germline. Affected: yes.
Comment: The c.1169delC variant in the AHDC1 gene has not been reported previously as a pathogenic variant nor as a benign variant, to our knowledge. The c.1169delC variant causes a frameshift starting with codon Proline 390, changes this amino acid to a Glutamine residue, and creates a premature Stop codon at position 62 of the new reading frame, denoted p.Pro390GlnfsX62. This variant is predicted to cause loss of normal protein function through protein truncation as the last 1214 amino acids are lost and replaced with 61 incorrect amino acids. The c.1169delC variant is not observed in large population cohorts (Lek et al., 2016).